The following is an entry in ClinVar:

NM_001252024.2(TRPM1):c.3646A>G (p.Met1216Val)

Gene: TRPM1 (transient receptor potential cation channel subfamily M member 1; minus strand). Cytogenetic location: 15q13.3.
Variant type: single nucleotide variant.
Coding change: c.3646A>G on transcript NM_001252024.2 (MANE Select); coding-DNA position 3646, A replaced by G.
Protein change: p.Met1216Val; replaces methionine 1216 with valine.
Molecular consequence: missense variant.
Genome position (GRCh38, 1-based): chr15:31,003,054, T>C on the plus strand (A>G on the coding strand, the complement: TRPM1 is on the minus strand). VCF-style: chr15-31003054-T-C. GRCh37 (hg19) VCF-style: chr15-31295257-T-C.
Other names: c.3697A>G, p.Met1233Val (NM_001252020.2); c.3580A>G, p.Met1194Val (NM_002420.6); short protein forms M1216V, M1194V, M1233V.
Identifiers: ClinVar variation 1434926 (VCV001434926.7), dbSNP rs373111126, ClinGen allele CA7451798.

ClinVar aggregate classification (germline): Uncertain significance. Review status: criteria provided, multiple submitters, no conflicts (2 of 4 stars). 3 submissions from 3 submitters: Uncertain significance (2). 1 of the submissions does not count toward it. Last evaluated 2024-09-25.

Conditions:
Retinal dystrophy. Also called: Inherited retinal dystrophy. Identifiers: Orphanet 71862, MedGen C0854723, MeSH D058499, MONDO:0019118, HP:0000556.

Allele frequency attached by ClinVar (database versions not stated): gnomAD 0.00001; ESP Exome Variant Server 0.00009.

Submissions (3):

Blueprint Genetics
Classification: Uncertain significance. Last evaluated: 2024-09-25. Review status: criteria provided, single submitter. Criteria: ACMG Guidelines, 2015. Collection method: clinical testing. Allele origin: germline.

Labcorp Genetics (formerly Invitae), Labcorp
Classification: Uncertain significance. Last evaluated: 2022-05-17. Review status: criteria provided, single submitter. Criteria: Invitae Variant Classification Sherloc (09022015). Collection method: clinical testing. Allele origin: germline.
Comment: This sequence change replaces methionine, which is neutral and non-polar, with valine, which is neutral and non-polar, at codon 1194 of the TRPM1 protein (p.Met1194Val). This variant is present in population databases (rs373111126, gnomAD 0.004%). This variant has not been reported in the literature in individuals affected with TRPM1-related conditions. Algorithms developed to predict the effect of missense changes on protein structure and function (SIFT, PolyPhen-2, Align-GVGD) all suggest that this variant is likely to be tolerated. Algorithms developed to predict the effect of sequence changes on RNA splicing suggest that this variant may create or strengthen a splice site. In summary, the available evidence is currently insufficient to determine the role of this variant in disease. Therefore, it has been classified as a Variant of Uncertain Significance.

Institute of Human Genetics, Univ. Regensburg, Univ. Regensburg
Classification: Uncertain significance for Retinal dystrophy. Last evaluated: 2023-01-01. Review status: no assertion criteria provided. Criteria: ACMG Guidelines, 2015. Collection method: clinical testing. Allele origin: germline. Affected: yes. Not counted in ClinVar's aggregate classification.